The following is an entry in ClinVar:

ClinVar aggregate classification (germline): Benign (1 of 4 stars; one submission).

Conditions:
Congenital secretory diarrhea, chloride type (DIAR1). Also called: DIARRHEA 1, SECRETORY CHLORIDE, CONGENITAL; CHLORIDORRHEA, CONGENITAL; CHLORIDE DIARRHEA, CONGENITAL, FINNISH TYPE. Identifiers: Orphanet 53689, MedGen C0267662, MONDO:0008964, OMIM 214700.

Allele frequency attached by ClinVar (database versions not stated): gnomAD exomes 0.00061; 1000 Genomes Project 30x 0.00437; 1000 Genomes Project 0.00459; gnomAD 0.00680 and 0.00733; TOPMed 0.00766.

Submission:

Illumina Laboratory Services, Illumina
Classification: Benign for Congenital secretory diarrhea, chloride type. Last evaluated: 2018-01-13. Review status: criteria provided, single submitter. Criteria: ICSL Variant Classification Criteria 13 December 2019. Collection method: clinical testing. Allele origin: germline.
Comment: This variant was observed in the ICSL laboratory as part of a predisposition screen in an ostensibly healthy population. It had not been previously curated by ICSL or reported in the Human Gene Mutation Database (HGMD: prior to June 1st, 2018), and was therefore a candidate for classification through an automated scoring system. Utilizing variant allele frequency, disease prevalence and penetrance estimates, and inheritance mode, an automated score was calculated to assess if this variant is too frequent to cause the disease. Based on the score and internal cut-off values, a variant classified as benign is not then subjected to further curation. The score for this variant resulted in a classification of benign for this disease.

NM_000111.3(SLC26A3):c.*386G>A

Gene: SLC26A3 (solute carrier family 26 member 3; minus strand). Cytogenetic location: 7q22.3.
Variant type: single nucleotide variant.
Coding change: c.*386G>A on transcript NM_000111.3 (MANE Select); 386 bases downstream of the stop codon, G replaced by A.
Molecular consequence: 3 prime UTR variant.
Genome position (GRCh38, 1-based): chr7:107,765,469, C>T on the plus strand (G>A on the coding strand, the complement: SLC26A3 is on the minus strand). VCF-style: chr7-107765469-C-T. GRCh37 (hg19) VCF-style: chr7-107405914-C-T.
Identifiers: ClinVar variation 358530 (VCV000358530.5), dbSNP rs183578733, ClinGen allele CA10622944.